The following is an entry in ClinVar:

ClinVar aggregate classification (germline): Uncertain significance (1 of 4 stars; one submission).

Conditions:
Adams-Oliver syndrome 5 (AOS5). Identifiers: Orphanet 974, MedGen C4014970, MONDO:0014459, OMIM 616028.

Allele frequency attached by ClinVar (database versions not stated): gnomAD 0.00001.
gnomAD v4.1: 1 of 1,612,948 alleles (0.000062%); highest among the groups gnomAD compares: Non-Finnish European, 0.000085%; no homozygotes.

Submission:

Labcorp Genetics (formerly Invitae), Labcorp
Classification: Uncertain significance for Adams-Oliver syndrome 5. Last evaluated: 2025-04-17. Review status: criteria provided, single submitter. Criteria: Invitae Variant Classification Sherloc (09022015). Collection method: clinical testing. Allele origin: germline.
Comment: This sequence change falls in intron 32 of the NOTCH1 gene. It does not directly change the encoded amino acid sequence of the NOTCH1 protein. It affects a nucleotide within the consensus splice site. This variant is not present in population databases (gnomAD no frequency). This variant has not been reported in the literature in individuals affected with NOTCH1-related conditions. ClinVar contains an entry for this variant (Variation ID: 1510592). Variants that disrupt the consensus splice site are a relatively common cause of aberrant splicing (PMID: 17576681, 9536098). Algorithms developed to predict the effect of sequence changes on RNA splicing suggest that this variant is not likely to affect RNA splicing. In summary, the available evidence is currently insufficient to determine the role of this variant in disease. Therefore, it has been classified as a Variant of Uncertain Significance.

Literature cited by the submitters: PubMed 17576681; PubMed 9536098.

NM_017617.5(NOTCH1):c.6082+6C>T

Genes: NOTCH1 (notch receptor 1; minus strand), LOC126860794 (BRD4-independent group 4 enhancer GRCh37_chr9:139392592-139393791; plus strand). Cytogenetic location: 9q34.3.
Variant type: single nucleotide variant.
Coding change: c.6082+6C>T on transcript NM_017617.5 (MANE Select); 6 bases into the intron after coding-DNA position 6082, C replaced by T.
Molecular consequence: intron variant.
Genome position (GRCh38, 1-based): chr9:136,499,106, G>A on the plus strand (C>T on the coding strand, the complement: NOTCH1 is on the minus strand). VCF-style: chr9-136499106-G-A. GRCh37 (hg19) VCF-style: chr9-139393558-G-A.
Identifiers: ClinVar variation 1510592 (VCV001510592.6), dbSNP rs1842959338, ClinGen allele CA1130023464.